The following is an entry in ClinVar:

ClinVar aggregate classification (germline): Uncertain significance (1 of 4 stars; one submission).

Conditions:
Early-infantile DEE. Also called: Early infantile epileptic encephalopathy with suppression bursts; Early infantile epileptic encephalopathy; Ohtahara syndrome. Identifiers: Orphanet 1934, MedGen C0393706, MONDO:0800491.

gnomAD v4.1: 5 of 1,612,920 alleles (0.00031%); highest among the groups gnomAD compares: Non-Finnish European, 0.00042%; no homozygotes.

Submission:

Labcorp Genetics (formerly Invitae), Labcorp
Classification: Uncertain significance for Early-infantile DEE. Last evaluated: 2026-02-01. Review status: criteria provided, single submitter. Criteria: Invitae Variant Classification Sherloc (09022015). Collection method: clinical testing. Allele origin: germline.
Comment: This sequence change replaces glycine, which is neutral and non-polar, with arginine, which is basic and polar, at codon 824 of the HCN1 protein (p.Gly824Arg). This variant is not present in population databases (gnomAD no frequency). This variant has not been reported in the literature in individuals affected with HCN1-related conditions. Invitae Evidence Modeling of protein sequence and biophysical properties (such as structural, functional, and spatial information, amino acid conservation, physicochemical variation, residue mobility, and thermodynamic stability) indicates that this missense variant is not expected to disrupt HCN1 protein function with a negative predictive value of 95%. In summary, the available evidence is currently insufficient to determine the role of this variant in disease. Therefore, it has been classified as a Variant of Uncertain Significance.

NM_021072.4(HCN1):c.2470G>A (p.Gly824Arg)

Gene: HCN1 (hyperpolarization activated cyclic nucleotide gated potassium channel 1; minus strand). Cytogenetic location: 5p12.
Variant type: single nucleotide variant.
Coding change: c.2470G>A on transcript NM_021072.4 (MANE Select); coding-DNA position 2470, G replaced by A.
Protein change: p.Gly824Arg; replaces glycine 824 with arginine.
Molecular consequence: missense variant.
Genome position (GRCh38, 1-based): chr5:45,262,124, C>T on the plus strand (G>A on the coding strand, the complement: HCN1 is on the minus strand). VCF-style: chr5-45262124-C-T. GRCh37 (hg19) VCF-style: chr5-45262226-C-T.
Other names: short protein forms G824R.
Identifiers: ClinVar variation 4760890 (VCV004760890.1).